The following is an entry in ClinVar:

ClinVar aggregate classification (germline): Pathogenic (1 of 4 stars; one submission).

Conditions:
Hereditary breast ovarian cancer syndrome. Also called: BRCA1- and BRCA2-Associated Hereditary Breast and Ovarian Cancer; Hereditary breast and ovarian cancer; Hereditary breast and ovarian cancer syndrome; Breast and ovarian cancer; Hereditary breast and/or ovarian cancer syndrome; Hereditary breast and ovarian cancer syndrome (HBOC). Identifiers: Orphanet 145, MedGen C0677776, MeSH D061325, MONDO:0003582. Disease mechanism: loss of function.

Submission:

Women's Health and Genetics/Laboratory Corporation of America, LabCorp
Classification: Pathogenic for Hereditary breast ovarian cancer syndrome. Last evaluated: 2024-09-12. Review status: criteria provided, single submitter. Criteria: LabCorp Variant Classification Summary - May 2015. Collection method: clinical testing. Allele origin: germline.
Comment: Variant summary: BARD1 c.1108delC (p.Arg370ValfsX30) results in a premature termination codon, predicted to cause a truncation of the encoded protein or absence of the protein due to nonsense mediated decay, which are commonly known mechanisms for disease. The variant was absent in 251316 control chromosomes. To our knowledge, no occurrence of c.1108delC in individuals affected with Hereditary Breast And Ovarian Cancer Syndrome and no experimental evidence demonstrating its impact on protein function have been reported. No submitters have cited clinical-significance assessments for this variant to ClinVar. Based on the evidence outlined above, the variant was classified as pathogenic.

NM_000465.4(BARD1):c.1108del (p.Arg370fs)

Gene: BARD1 (BRCA1 associated RING domain 1; minus strand). Cytogenetic location: 2q35.
Variant type: Deletion.
Coding change: c.1108del on transcript NM_000465.4 (MANE Select); coding-DNA position 1108, one base deleted (C; older notation c.1108delC).
Protein change: p.Arg370fs; shifts the reading frame from arginine 370.
Molecular consequence: frameshift variant. On other transcripts: non-coding transcript variant (2), intron variant (3).
Genome position (GRCh38, 1-based): chr2:214,780,766, G deleted on the plus strand (C on the coding strand, the reverse complement: BARD1 is on the minus strand). VCF-style (leftmost placement, unchanged base first): chr2-214780765-CG-C. GRCh37 (hg19) VCF-style: chr2-215645489-CG-C.
Other names: c.1051del, p.Arg351fs (NM_001282543.2); c.159-28211del (NM_001282548.2); c.215+16295del (NM_001282545.2); c.364+11531del (NM_001282549.2); c.1108delC (NM_000465.4); short protein forms R351fs, R370fs.
Identifiers: ClinVar variation 3374858 (VCV003374858.1).
Genomic context (GRCh38, chr2:214,780,765, plus strand): 5'-AGACTAATGAATTCATCGGACATGTTACTGTTTTTCCTCCCTGATGTACCACCAACTTTA[CG>C]TTTGCATGAAGGTGGTGAAGAACATTCAGGCAATGGTATATTTTCTGAGGGCACCGTTTG-3'